The following is an entry in ClinVar:

ClinVar aggregate classification (germline): Uncertain significance (1 of 4 stars; one submission).

Allele frequency attached by ClinVar (database versions not stated): gnomAD exomes 0.00002; TOPMed 0.00002.
gnomAD v4.1: 42 of 1,612,264 alleles (0.0026%); highest among the groups gnomAD compares: Non-Finnish European, 0.0029%; no homozygotes.

Submission:

Ambry Genetics
Classification: Uncertain significance. Last evaluated: 2025-03-19. Review status: criteria provided, single submitter. Criteria: Ambry Variant Classification Scheme 2023. Collection method: clinical testing. Allele origin: germline.
Comment: The p.V1253I variant (also known as c.3757G>A), located in coding exon 16 of the WNK2 gene, results from a G to A substitution at nucleotide position 3757. The valine at codon 1253 is replaced by isoleucine, an amino acid with highly similar properties. This amino acid position is conserved. In addition, this alteration is predicted to be tolerated by in silico analysis. Based on the available evidence, the clinical significance of this variant remains unclear.

NM_006648.4(WNK2):c.3757G>A (p.Val1253Ile)

Gene: WNK2 (WNK lysine deficient protein kinase 2; plus strand). Cytogenetic location: 9q22.31.
Variant type: single nucleotide variant.
Coding change: c.3757G>A on transcript NM_006648.4 (MANE Select); coding-DNA position 3757, G replaced by A.
Protein change: p.Val1253Ile; replaces valine 1253 with isoleucine.
Molecular consequence: missense variant.
Genome position (GRCh38, 1-based): chr9:93,267,806, G>A. VCF-style: chr9-93267806-G-A. GRCh37 (hg19) VCF-style: chr9-96030088-G-A.
Other names: c.3757G>A, p.Val1253Ile (NM_001282394.3); short protein forms V1253I.
Identifiers: ClinVar variation 2546105 (VCV002546105.3), dbSNP rs61753900, ClinGen allele CA5130063.